The following is an entry in ClinVar:

ClinVar aggregate classification (germline): Conflicting classifications of pathogenicity. Review status: criteria provided, conflicting classifications (1 of 4 stars). 7 submissions from 7 submitters: Uncertain significance (6); Likely benign (1). Last evaluated 2026-07-28.

Conditions:
Hereditary cancer-predisposing syndrome. Also called: Neoplastic Syndromes, Hereditary; Hereditary Cancer Syndrome; Tumor predisposition; Hereditary neoplastic syndrome. Identifiers: Orphanet 140162, MedGen C0027672, MeSH D009386, MONDO:0015356.
Hereditary diffuse gastric adenocarcinoma (HDGC). Also called: DIFFUSE GASTRIC AND LOBULAR BREAST CANCER SYNDROME. Identifiers: Orphanet 26106, MedGen C1708349, MONDO:0007648, OMIM 137215.
Familial cancer of breast. Also called: Hereditary breast cancer; BREAST CANCER, FAMILIAL; hereditary breast carcinoma. Identifiers: Orphanet 227535, MedGen C0346153, MONDO:0016419, OMIM 114480. Disease mechanism: loss of function.

Allele frequency attached by ClinVar (database versions not stated): gnomAD exomes below 0.00001; ExAC 0.00001.
gnomAD v4.1: 2 of 1,611,904 alleles (0.00012%); highest among the groups gnomAD compares: Non-Finnish European, 0.00017%; no homozygotes.

Submissions (7):

Ambry Genetics
Classification: Likely benign for Hereditary cancer-predisposing syndrome. Last evaluated: 2026-07-28. Review status: criteria provided, single submitter. Criteria: Ambry Variant Classification Scheme 2023. Collection method: clinical testing. Allele origin: germline.

Labcorp Genetics (formerly Invitae), Labcorp
Classification: Uncertain significance for Hereditary diffuse gastric adenocarcinoma. Last evaluated: 2025-06-05. Review status: criteria provided, single submitter. Criteria: Invitae Variant Classification Sherloc (09022015). Collection method: clinical testing. Allele origin: germline.
Comment: This sequence change replaces isoleucine, which is neutral and non-polar, with threonine, which is neutral and polar, at codon 650 of the CDH1 protein (p.Ile650Thr). This variant is present in population databases (rs747235838, gnomAD 0.0009%). This variant has not been reported in the literature in individuals affected with CDH1-related conditions. ClinVar contains an entry for this variant (Variation ID: 186317). An algorithm developed to predict the effect of missense changes on protein structure and function (PolyPhen-2) suggests that this variant is likely to be tolerated. In summary, the available evidence is currently insufficient to determine the role of this variant in disease. Therefore, it has been classified as a Variant of Uncertain Significance.

Color Diagnostics, LLC DBA Color Health
Classification: Uncertain significance for Hereditary cancer-predisposing syndrome. Last evaluated: 2023-12-05. Review status: criteria provided, single submitter. Criteria: ACMG Guidelines, 2015. Collection method: clinical testing. Allele origin: germline.
Comment: This missense variant replaces isoleucine with threonine at codon 650 of the CDH1 protein. To our knowledge, functional studies have not been reported for this variant. This variant has not been reported in individuals affected with CDH1-related disorders in the literature. This variant has been identified in 1/251368 chromosomes in the general population by the Genome Aggregation Database (gnomAD). The available evidence is insufficient to determine the role of this variant in disease conclusively. Therefore, this variant is classified as a Variant of Uncertain Significance.

Baylor Genetics
Classification: Uncertain significance for Familial cancer of breast. Last evaluated: 2023-11-02. Review status: criteria provided, single submitter. Criteria: ACMG Guidelines, 2015. Collection method: clinical testing. Allele origin: unknown.

Quest Diagnostics Nichols Institute San Juan Capistrano
Classification: Uncertain significance. Last evaluated: 2023-05-31. Review status: criteria provided, single submitter. Criteria: Quest Diagnostics criteria. Collection method: clinical testing. Allele origin: unknown.
Comment: In the published literature, this variant has been reported in an individual with breast cancer (PMID: 33471991 (2021), see also LOVD). The frequency of this variant in the general population, 0.000004 (1/251368 chromosomes (Genome Aggregation Database)), is uninformative in the assessment of its pathogenicity. Analysis of this variant using bioinformatics tools for the prediction of the effect of amino acid changes on protein structure and function yielded predictions that this variant is benign. Based on the available information, we are unable to determine the clinical significance of this variant.

GeneDx
Classification: Uncertain significance. Last evaluated: 2023-02-24. Review status: criteria provided, single submitter. Criteria: GeneDx Variant Classification Process June 2021. Collection method: clinical testing. Allele origin: germline. Affected: yes.
Comment: Not observed at significant frequency in large population cohorts (gnomAD); In silico analysis supports that this missense variant has a deleterious effect on protein structure/function; Has not been previously published as pathogenic or benign to our knowledge; This variant is associated with the following publications: (PMID: 15235021, 22850631)

Women's Health and Genetics/Laboratory Corporation of America, LabCorp
Classification: Uncertain significance. Last evaluated: 2018-01-22. Review status: criteria provided, single submitter. Criteria: LabCorp Variant Classification Summary - May 2015. Collection method: clinical testing. Allele origin: germline.
Comment: Variant summary: The c.1949T>C (p.Ile650Thr) in CDH1 gene is a missense variant involves a mildly conserved nucleotide located within C-terminal catalytic domain. The 2/4 in silico tools used predict benign outcome for this variant, however no functional studies supporting these predictions were published at the time of evaluation. The c.1949T>C was identified in the control population dataset of gnomAD at a low frequency of 0.000004 (1/ 246136 chrs tested). The observed frequency does not exceed the maximum expected allele frequency for a pathogenic variant of 0.000028, suggesting that it is not a common polymorphism. The variant has not, to our knowledge, been reported in affected individuals via published reports, but is cited as VUS by multiple reputable databases/clinical laboratories. Taken together, due to lack of supportive evidence, the variant was classified as VUS, until new information becomes available.

Literature cited by the submitters: PubMed 33471991 (cited by Quest Diagnostics Nichols Institute San Juan Capistrano).

NM_004360.5(CDH1):c.1949T>C (p.Ile650Thr)

Gene: CDH1 (cadherin 1; plus strand). Cytogenetic location: 16q22.1.
Variant type: single nucleotide variant.
Coding change: c.1949T>C on transcript NM_004360.5 (MANE Select); coding-DNA position 1949, T replaced by C.
Protein change: p.Ile650Thr; replaces isoleucine 650 with threonine.
Molecular consequence: missense variant. On other transcripts: 5 prime UTR variant (1).
Genome position (GRCh38, 1-based): chr16:68,823,411, T>C. VCF-style: chr16-68823411-T-C. GRCh37 (hg19) VCF-style: chr16-68857314-T-C.
Other names: c.1766T>C, p.Ile589Thr (NM_001317184.2); c.401T>C, p.Ile134Thr (NM_001317185.2); c.-17T>C (NM_001317186.2); c.1949T>C (LRG_301t1); short protein forms I650T, I134T, I589T.
Identifiers: ClinVar variation 186317 (VCV000186317.24), dbSNP rs747235838, ClinGen allele CA194456.